The following is an entry in ClinVar:

NM_177438.3(DICER1):c.2303G>T (p.Cys768Phe)

Gene: DICER1 (dicer 1, ribonuclease III; minus strand). Cytogenetic location: 14q32.13.
Variant type: single nucleotide variant.
Coding change: c.2303G>T on transcript NM_177438.3 (MANE Select); coding-DNA position 2303, G replaced by T.
Protein change: p.Cys768Phe; replaces cysteine 768 with phenylalanine.
Molecular consequence: missense variant.
Genome position (GRCh38, 1-based): chr14:95,108,457, C>A on the plus strand (G>T on the coding strand, the complement: DICER1 is on the minus strand). VCF-style: chr14-95108457-C-A. GRCh37 (hg19) VCF-style: chr14-95574794-C-A.
Other names: c.2303G>T, p.Cys768Phe (NM_001195573.1, NM_001271282.3, NM_001291628.2 and 1 more transcripts); short protein forms C768F.
Identifiers: ClinVar variation 1001776 (VCV001001776.13), dbSNP rs1891659082, ClinGen allele CA390882337.

ClinVar aggregate classification (germline): Uncertain significance. Review status: criteria provided, multiple submitters, no conflicts (2 of 4 stars). 2 submissions from 2 submitters: Uncertain significance (2). Last evaluated 2025-06-24.

Conditions:
Hereditary cancer-predisposing syndrome. Also called: Hereditary neoplastic syndrome; Neoplastic Syndromes, Hereditary; Tumor predisposition; Hereditary Cancer Syndrome. Identifiers: Orphanet 140162, MedGen C0027672, MeSH D009386, MONDO:0015356.
DICER1-related tumor predisposition. Also called: DICER1 syndrome; DICER1-related pleuropulmonary blastoma cancer predisposition syndrome. Identifiers: Orphanet 284343, MedGen C3839822, MONDO:0100216.

Submissions (2):

Ambry Genetics
Classification: Uncertain significance for Hereditary cancer-predisposing syndrome. Last evaluated: 2025-06-24. Review status: criteria provided, single submitter. Criteria: Ambry Variant Classification Scheme 2023. Collection method: clinical testing. Allele origin: germline.
Comment: The p.C768F variant (also known as c.2303G>T), located in coding exon 14 of the DICER1 gene, results from a G to T substitution at nucleotide position 2303. The cysteine at codon 768 is replaced by phenylalanine, an amino acid with highly dissimilar properties. This amino acid position is well conserved in available vertebrate species. In addition, this alteration is predicted to be deleterious by in silico analysis. Based on the available evidence, the clinical significance of this variant remains unclear.

Labcorp Genetics (formerly Invitae), Labcorp
Classification: Uncertain significance for DICER1-related tumor predisposition. Last evaluated: 2022-11-03. Review status: criteria provided, single submitter. Criteria: Invitae Variant Classification Sherloc (09022015). Collection method: clinical testing. Allele origin: germline.
Comment: This variant is not present in population databases (gnomAD no frequency). In summary, the available evidence is currently insufficient to determine the role of this variant in disease. Therefore, it has been classified as a Variant of Uncertain Significance. Algorithms developed to predict the effect of sequence changes on RNA splicing suggest that this variant may create or strengthen a splice site. Advanced modeling of protein sequence and biophysical properties (such as structural, functional, and spatial information, amino acid conservation, physicochemical variation, residue mobility, and thermodynamic stability) performed at Invitae indicates that this missense variant is not expected to disrupt DICER1 protein function. ClinVar contains an entry for this variant (Variation ID: 1001776). This variant has not been reported in the literature in individuals affected with DICER1-related conditions. This sequence change replaces cysteine, which is neutral and slightly polar, with phenylalanine, which is neutral and non-polar, at codon 768 of the DICER1 protein (p.Cys768Phe).